The following is an entry in ClinVar:

NM_000843.4(GRM6):c.868G>A (p.Glu290Lys)

Gene: GRM6 (glutamate metabotropic receptor 6; minus strand). Cytogenetic location: 5q35.3.
Variant type: single nucleotide variant.
Coding change: c.868G>A on transcript NM_000843.4 (MANE Select); coding-DNA position 868, G replaced by A.
Protein change: p.Glu290Lys; replaces glutamic acid 290 with lysine.
Molecular consequence: missense variant.
Genome position (GRCh38, 1-based): chr5:178,990,736, C>T on the plus strand (G>A on the coding strand, the complement: GRM6 is on the minus strand). VCF-style: chr5-178990736-C-T. GRCh37 (hg19) VCF-style: chr5-178417737-C-T.
Other names: short protein forms E290K.
Identifiers: ClinVar variation 1062195 (VCV001062195.7), dbSNP rs1256684144, ClinGen allele CA362432350.

ClinVar aggregate classification (germline): Uncertain significance (1 of 4 stars; one submission).

Submission:

Labcorp Genetics (formerly Invitae), Labcorp
Classification: Uncertain significance. Last evaluated: 2022-03-10. Review status: criteria provided, single submitter. Criteria: Invitae Variant Classification Sherloc (09022015). Collection method: clinical testing. Allele origin: germline.
Comment: This variant is not present in population databases (gnomAD no frequency). In summary, the available evidence is currently insufficient to determine the role of this variant in disease. Therefore, it has been classified as a Variant of Uncertain Significance. Advanced modeling of protein sequence and biophysical properties (such as structural, functional, and spatial information, amino acid conservation, physicochemical variation, residue mobility, and thermodynamic stability) performed at Invitae indicates that this missense variant is not expected to disrupt GRM6 protein function. ClinVar contains an entry for this variant (Variation ID: 1062195). This variant has not been reported in the literature in individuals affected with GRM6-related conditions. This sequence change replaces glutamic acid, which is acidic and polar, with lysine, which is basic and polar, at codon 290 of the GRM6 protein (p.Glu290Lys).